The following is an entry in ClinVar:

ClinVar aggregate classification (germline): Conflicting classifications of pathogenicity. Review status: criteria provided, conflicting classifications (1 of 4 stars). 3 submissions from 2 submitters: Uncertain significance (1); Benign (1); Likely benign (1). Last evaluated 2019-01-20.

Conditions:
Autosomal recessive nonsyndromic hearing loss 7. Also called: DEAFNESS, AUTOSOMAL RECESSIVE 11. Identifiers: Orphanet 90636, MedGen C1832978, MONDO:0010967, OMIM 600974.
Autosomal dominant nonsyndromic hearing loss 36. Identifiers: Orphanet 90635, MedGen C1847626, MONDO:0011708, OMIM 606705.

Allele frequency attached by ClinVar (database versions not stated): gnomAD 0.00005 and 0.00032; TOPMed 0.00013; gnomAD exomes 0.00121 and 0.00174; ExAC 0.00216; 1000 Genomes Project 30x 0.00219; 1000 Genomes Project 0.00240.
gnomAD v4.1: 866 of 842,602 alleles (0.1%); highest among the groups gnomAD compares: South Asian, 1.1%; 11 homozygotes.

Submissions (3):

GeneDx
Classification: Likely benign. Last evaluated: 2019-01-20. Review status: criteria provided, single submitter. Criteria: GeneDx Variant Classification Process June 2021. Collection method: clinical testing. Allele origin: germline. Affected: yes.

Illumina Laboratory Services, Illumina
Classification: Benign for Autosomal dominant nonsyndromic hearing loss 36. Last evaluated: 2018-01-13. Review status: criteria provided, single submitter. Criteria: ICSL Variant Classification Criteria 13 December 2019. Collection method: clinical testing. Allele origin: germline.
Comment: This variant was observed in the ICSL laboratory as part of a predisposition screen in an ostensibly healthy population. It had not been previously curated by ICSL or reported in the Human Gene Mutation Database (HGMD: prior to June 1st, 2018), and was therefore a candidate for classification through an automated scoring system. Utilizing variant allele frequency, disease prevalence and penetrance estimates, and inheritance mode, an automated score was calculated to assess if this variant is too frequent to cause the disease. Based on the score and internal cut-off values, a variant classified as benign is not then subjected to further curation. The score for this variant resulted in a classification of benign for this disease.

Illumina Laboratory Services, Illumina
Classification: Uncertain significance for Autosomal recessive nonsyndromic hearing loss 7. Last evaluated: 2018-01-13. Review status: criteria provided, single submitter. Criteria: ICSL Variant Classification Criteria 13 December 2019. Collection method: clinical testing. Allele origin: germline.

NM_138691.3(TMC1):c.*156T>C

Gene: TMC1 (transmembrane channel like 1; plus strand). Cytogenetic location: 9q21.13.
Variant type: single nucleotide variant.
Coding change: c.*156T>C on transcript NM_138691.3 (MANE Select); 156 bases downstream of the stop codon, T replaced by C.
Molecular consequence: 3 prime UTR variant.
Genome position (GRCh38, 1-based): chr9:72,836,129, T>C. VCF-style: chr9-72836129-T-C. GRCh37 (hg19) VCF-style: chr9-75451045-T-C.
Identifiers: ClinVar variation 367266 (VCV000367266.7), dbSNP rs545955592, ClinGen allele CA5082313.
Genomic context (GRCh38, chr9:72,836,129, plus strand): 5'-CTATTTTCCTGTTCTACCCTTGATGGATTTTCAAGGTCATGCTGGCCAATTAAGGCATCA[T>C]CAGTCCTACCTGAGCAACAAGAATCTAAACTTTATTCCAAGTCAGAAACTGTTTCTGCAG-3'